The following is an entry in ClinVar:

NM_003803.4(MYOM1):c.3502G>A (p.Glu1168Lys)

Gene: MYOM1 (myomesin 1; minus strand). Cytogenetic location: 18p11.31.
Variant type: single nucleotide variant.
Coding change: c.3502G>A on transcript NM_003803.4 (MANE Select); coding-DNA position 3502, G replaced by A.
Protein change: p.Glu1168Lys; replaces glutamic acid 1168 with lysine.
Molecular consequence: missense variant.
Genome position (GRCh38, 1-based): chr18:3,102,547, C>T on the plus strand (G>A on the coding strand, the complement: MYOM1 is on the minus strand). VCF-style: chr18-3102547-C-T. GRCh37 (hg19) VCF-style: chr18-3102545-C-T.
Other names: c.3214G>A, p.Glu1072Lys (NM_019856.2); c.3502G>A (NM_003803.3); short protein forms E1168K, E1072K.
Identifiers: ClinVar variation 1037861 (VCV001037861.9), dbSNP rs765967318, ClinGen allele CA295498369.
Genomic context (GRCh38, chr18:3,102,547, plus strand): 5'-TTTCGACTTCCAATCGTGGAGAGTCCTCAGTGGATACATAATCTTTGGACCAGGAGAACT[C>T]GGACTTTGGAGTCATCTTATCACACTCGAAGTTCAATGAAATGACTCCATCATCATCCAC-3'
Protein context (NP_003794.3, residues 1158-1178): FECDKMTPKS[Glu1168Lys]FSWSKDYVST

ClinVar aggregate classification (germline): Uncertain significance. Review status: criteria provided, multiple submitters, no conflicts (2 of 4 stars). 2 submissions from 2 submitters: Uncertain significance (2). Last evaluated 2024-06-05.

Conditions:
Hypertrophic cardiomyopathy. Also called: HYPERTROPHIC MYOCARDIOPATHY. Identifiers: Orphanet 217569, MedGen C0007194, MeSH D002312, MONDO:0005045, HP:0001639.

Allele frequency attached by ClinVar (database versions not stated): gnomAD exomes 0.00001; gnomAD 0.00002; TOPMed 0.00002.
gnomAD v4.1: 52 of 1,613,754 alleles (0.0032%); highest among the groups gnomAD compares: Non-Finnish European, 0.004%; no homozygotes.

Submissions (2):

Ambry Genetics
Classification: Uncertain significance. Last evaluated: 2024-06-05. Review status: criteria provided, single submitter. Criteria: Ambry Variant Classification Scheme 2023. Collection method: clinical testing. Allele origin: germline.

Labcorp Genetics (formerly Invitae), Labcorp
Classification: Uncertain significance for Hypertrophic cardiomyopathy. Last evaluated: 2023-11-27. Review status: criteria provided, single submitter. Criteria: Invitae Variant Classification Sherloc (09022015). Collection method: clinical testing. Allele origin: germline.
Comment: This sequence change replaces glutamic acid, which is acidic and polar, with lysine, which is basic and polar, at codon 1168 of the MYOM1 protein (p.Glu1168Lys). This variant is present in population databases (rs765967318, gnomAD 0.01%). This variant has not been reported in the literature in individuals affected with MYOM1-related conditions. ClinVar contains an entry for this variant (Variation ID: 1037861). Advanced modeling of protein sequence and biophysical properties (such as structural, functional, and spatial information, amino acid conservation, physicochemical variation, residue mobility, and thermodynamic stability) performed at Invitae indicates that this missense variant is not expected to disrupt MYOM1 protein function with a negative predictive value of 80%. In summary, the available evidence is currently insufficient to determine the role of this variant in disease. Therefore, it has been classified as a Variant of Uncertain Significance.